The following is an entry in ClinVar:

ClinVar aggregate classification (germline): Likely benign (1 of 4 stars; one submission).

Conditions:
Chondrodysplasia with joint dislocations, gPAPP type. Also called: GPAPP DEFICIENCY. Identifiers: Orphanet 280586, MedGen C3279757, MONDO:0013561, OMIM 614078.

Allele frequency attached by ClinVar (database versions not stated): 1000 Genomes Project 0.00120; 1000 Genomes Project 30x 0.00156; gnomAD 0.00191 and 0.00199; TOPMed 0.00212.

Submission:

Illumina Laboratory Services, Illumina
Classification: Likely benign for Chondrodysplasia with joint dislocations, gPAPP type. Last evaluated: 2018-01-12. Review status: criteria provided, single submitter. Criteria: ICSL Variant Classification Criteria 13 December 2019. Collection method: clinical testing. Allele origin: germline.
Comment: This variant was observed in the ICSL laboratory as part of a predisposition screen in an ostensibly healthy population. It had not been previously curated by ICSL or reported in the Human Gene Mutation Database (HGMD: prior to June 1st, 2018), and was therefore a candidate for classification through an automated scoring system. Utilizing variant allele frequency, disease prevalence and penetrance estimates, and inheritance mode, an automated score was calculated to assess if this variant is too frequent to cause the disease. Based on the score and internal cut-off values, a variant classified as likely benign is not then subjected to further curation. The score for this variant resulted in a classification of likely benign for this disease.

NM_017813.5(BPNT2):c.*2190G>A

Gene: BPNT2 (3'(2'), 5'-bisphosphate nucleotidase 2; minus strand). Cytogenetic location: 8q12.1.
Variant type: single nucleotide variant.
Coding change: c.*2190G>A on transcript NM_017813.5 (MANE Select); 2190 bases downstream of the stop codon, G replaced by A.
Molecular consequence: 3 prime UTR variant.
Genome position (GRCh38, 1-based): chr8:56,961,603, C>T on the plus strand (G>A on the coding strand, the complement: BPNT2 is on the minus strand). VCF-style: chr8-56961603-C-T. GRCh37 (hg19) VCF-style: chr8-57874162-C-T.
Identifiers: ClinVar variation 363368 (VCV000363368.5), dbSNP rs150450513, ClinGen allele CA10631317.